The following is an entry in ClinVar:

ClinVar aggregate classification (germline): Uncertain significance. Review status: criteria provided, multiple submitters, no conflicts (2 of 4 stars). 4 submissions from 4 submitters: Uncertain significance (4). Last evaluated 2025-06-15.

Conditions:
Hereditary cancer-predisposing syndrome. Also called: Neoplastic Syndromes, Hereditary; Hereditary Cancer Syndrome; Tumor predisposition; Hereditary neoplastic syndrome. Identifiers: Orphanet 140162, MedGen C0027672, MeSH D009386, MONDO:0015356.
Ataxia-telangiectasia syndrome (AT). Also called: Cerebello-oculocutaneous telangiectasia; Immunodeficiency with ataxia telangiectasia; Ataxia-telangiectasia, complementation group D; AT, COMPLEMENTATION GROUP C; Ataxia-telangiectasia, complementation group E; ATAXIA-TELANGIECTASIA, COMPLEMENTATION GROUP A. Identifiers: Orphanet 100, MedGen C0004135, MONDO:0008840, OMIM 208900.

Allele frequency attached by ClinVar (database versions not stated): gnomAD exomes below 0.00001.
gnomAD v4.1: 2 of 1,613,892 alleles (0.00012%); highest among the groups gnomAD compares: African/African-American, 0.0013%; no homozygotes.

Submissions (4):

Ambry Genetics
Classification: Uncertain significance for Hereditary cancer-predisposing syndrome. Last evaluated: 2025-06-15. Review status: criteria provided, single submitter. Criteria: Ambry Variant Classification Scheme 2023. Collection method: clinical testing. Allele origin: germline.
Comment: The p.R90G variant (also known as c.268A>G), located in coding exon 3 of the ATM gene, results from an A to G substitution at nucleotide position 268. The arginine at codon 90 is replaced by glycine, an amino acid with dissimilar properties. This amino acid position is highly conserved in available vertebrate species. In addition, this alteration is predicted to be deleterious by in silico analysis. Since supporting evidence is limited at this time, the clinical significance of this alteration remains unclear.

CeGaT Center for Human Genetics Tuebingen
Classification: Uncertain significance. Last evaluated: 2024-07-01. Review status: criteria provided, single submitter. Criteria: CeGaT Center For Human Genetics Tuebingen Variant Classification Criteria Version 2. Collection method: clinical testing. Allele origin: germline. Affected: yes. Observed: 1 variant allele.
Comment: ATM: PM2, BP1

Labcorp Genetics (formerly Invitae), Labcorp
Classification: Uncertain significance for Ataxia-telangiectasia syndrome. Last evaluated: 2021-08-28. Review status: criteria provided, single submitter. Criteria: Invitae Variant Classification Sherloc (09022015). Collection method: clinical testing. Allele origin: germline.
Comment: This sequence change replaces arginine with glycine at codon 90 of the ATM protein (p.Arg90Gly). The arginine residue is moderately conserved and there is a moderate physicochemical difference between arginine and glycine. This variant is not present in population databases (ExAC no frequency). This variant has not been reported in the literature in individuals affected with ATM-related conditions. Algorithms developed to predict the effect of missense changes on protein structure and function are either unavailable or do not agree on the potential impact of this missense change (SIFT: "Deleterious"; PolyPhen-2: "Possibly Damaging"; Align-GVGD: "Class C0"). In summary, the available evidence is currently insufficient to determine the role of this variant in disease. Therefore, it has been classified as a Variant of Uncertain Significance.

Color Diagnostics, LLC DBA Color Health
Classification: Uncertain significance for Hereditary cancer-predisposing syndrome. Last evaluated: 2018-12-31. Review status: criteria provided, single submitter. Criteria: ACMG Guidelines, 2015. Collection method: clinical testing. Allele origin: germline.

NM_000051.4(ATM):c.268A>G (p.Arg90Gly)

Gene: ATM (ATM serine/threonine kinase; plus strand). Cytogenetic location: 11q22.3.
Variant type: single nucleotide variant.
Coding change: c.268A>G on transcript NM_000051.4 (MANE Select); coding-DNA position 268, A replaced by G.
Protein change: p.Arg90Gly; replaces arginine 90 with glycine.
Molecular consequence: missense variant.
Genome position (GRCh38, 1-based): chr11:108,229,260, A>G. VCF-style: chr11-108229260-A-G. GRCh37 (hg19) VCF-style: chr11-108099987-A-G.
Other names: c.268A>G, p.Arg90Gly (NM_001351834.2, NM_001351835.2, NM_001351836.2); short protein forms R90G.
Identifiers: ClinVar variation 524248 (VCV000524248.32), dbSNP rs868748140, ClinGen allele CA228369414.
Genomic context (GRCh38, chr11:108,229,260, plus strand): 5'-AAAGAAACAGAATGTCTGAGAATAGCAAAACCAAATGTATCAGCCTCAACACAAGCCTCC[A>G]GGCAGAAAAAGATGCAGGAAATCAGTAGTTTGGTCAAATACTTCATCAAATGTGCAAACA-3'
Protein context (NP_000042.3, residues 80-100): PNVSASTQAS[Arg90Gly]QKKMQEISSL